The following continues an entry in ClinVar:

NM_016038.4(SBDS):c.184A>T (p.Lys62Ter)

Gene: SBDS. ClinVar aggregate classification (germline): Pathogenic/Likely pathogenic. Pathogenic (22); Likely pathogenic (2).

Submissions 11 to 28 of 28:

Genetic Services Laboratory, University of Chicago
Classification: Pathogenic. Last evaluated: 2023-08-07. Review status: criteria provided, single submitter. Criteria: ACMG Guidelines, 2015. Collection method: clinical testing. Allele origin: germline. Affected: yes.
Comment: DNA sequence analysis of the SBDS gene demonstrated a two base pair deletion and two base pair insertion in exon 2, c.183_184delinsCT. This pathogenic sequence change results in the formation of a premature stop codon, p.Lys62*. This pathogenic sequence change is predicted to result in an abnormal transcript, which may be degraded, or may lead to the production of a truncated SBDS protein with potentially abnormal function. This pathogenic sequence change has previously been described in the compound heterozygous state with a second pathogenic variant in SBDS in multiple individuals with SDS (PMID: 12496757, 15942154).

Department of Pathology and Laboratory Medicine, Sinai Health System
Classification: Pathogenic for Shwachman-Diamond syndrome 1; Aplastic anemia. Last evaluated: 2023-08-03. Review status: criteria provided, single submitter. Criteria: ACMG Guidelines, 2015. Collection method: research. Allele origin: germline.

Genetics and Molecular Pathology, SA Pathology
Classification: Pathogenic for Shwachman-Diamond syndrome 1. Last evaluated: 2022-09-12. Review status: criteria provided, single submitter. Criteria: ACMG Guidelines, 2015. Collection method: clinical testing. Allele origin: germline. Inheritance: Autosomal recessive inheritance. Affected: yes.
Comment: The SBDS c.184A>T variant is classified as PATHOGENIC (PVS1, PS3, PS4, PM3) The SBDS c.184A>T variant is a single nucleotide change which is predicted to result in premature termination of the protein product at codon 62 (PVS1). Functional studies have shown this variant affects the protein's cellular localisation and motility (PMID:21695142) (PS3). The variant has been reported in dbSNP (rs120074160) and in the HGMD database: CP035464. It has been reported as Pathogenic/Likely pathogenic by other diagnostic laboratories (ClinVar Variation ID: 449095).

Bioinformatics Unit, Institut Pasteur de Montevideo
Classification: Pathogenic for Shwachman-Diamond syndrome 1. Last evaluated: 2022-05-03. Review status: criteria provided, single submitter. Criteria: ACMG Guidelines, 2015. Collection method: clinical testing. Allele origin: germline. Inheritance: Autosomal recessive inheritance. Affected: yes. Observed: 1 compound heterozygote.

AURAGEN, Plan France Médecine Génomique
Classification: Pathogenic for Chondrodysplasia. Last evaluated: 2021-09-29. Review status: criteria provided, single submitter. Criteria: PFMG2025 (Lancet Reg Health Eur. 2025). Collection method: clinical testing. Allele origin: germline. Affected: yes.

Institute of Human Genetics, University of Leipzig Medical Center
Classification: Pathogenic for Intellectual disability. Last evaluated: 2021-02-25. Review status: criteria provided, single submitter. Criteria: ACMG Guidelines, 2015. Collection method: clinical testing. Allele origin: paternal. Inheritance: Autosomal recessive inheritance. Affected: yes.
Comment: The variant was reviewed according to current ACMG recommendations and classified as Pathogenic (criteria: PSV1_VeryStrong, PM2_Supporting, PS3_Moderate, PM3_Moderate). This variant was identified in a compound heterozygous state with the variant NM_016038.4(SBDS):c.258+2T>C (Variation ID: 3196).

Institute of Medical Genetics and Applied Genomics, University Hospital Tübingen
Classification: Pathogenic. Last evaluated: 2020-10-23. Review status: criteria provided, single submitter. Criteria: ACMG Guidelines, 2015. Collection method: clinical testing. Allele origin: germline. Inheritance: Autosomal recessive inheritance. Affected: yes.

Cambridge Genomics Laboratory, East Genomic Laboratory Hub, NHS Genomic Medicine Service
Classification: Pathogenic for Intellectual disability. Last evaluated: 2019-11-08. Review status: criteria provided, single submitter. Criteria: ACGS Best Practice Guidelines for Variant Classification in Rare Disease 2020. Collection method: clinical testing. Allele origin: germline. Affected: yes. Observed: 1 variant allele.

Mendelics
Classification: Likely pathogenic for Shwachman-Diamond syndrome 1. Last evaluated: 2019-05-28. Review status: criteria provided, single submitter. Criteria: Mendelics Assertion Criteria 2017. Collection method: clinical testing. Allele origin: unknown.

GeneDx
Classification: Pathogenic. Last evaluated: 2017-07-10. Review status: criteria provided, single submitter. Criteria: GeneDx Variant Classification (06012015). Collection method: clinical testing. Allele origin: germline. Affected: yes.
Comment: The K62X variant in the SBDS gene has been reported previously in an individual with Shwachman-Diamond syndrome who also harbored the c.258+2 T>C variant on the other SBDS allele (Pronicka et al., 2016). This variant is predicted to cause loss of normal protein function either through protein truncation or nonsense-mediated mRNA decay. Functional studies demonstrate that the K62X variant results in abnormally low cytoplasmic protein levels and loss of protein function (Orelio et al., 2011; Shammas et al., 2005). The K62X variant is not observed in large population cohorts (Lek et al., 2016). Historically this variant as been reported as c.183_184delTAinsCT. This event is derived from a recombination event with a known psuedogene carrying this variant.

Centre for Mendelian Genomics, University Medical Centre Ljubljana
Classification: Likely pathogenic for Agenesis of permanent teeth; Deeply set eye; Microcephaly; Short stature; Splenomegaly. Last evaluated: 2017-01-01. Review status: criteria provided, single submitter. Criteria: ACMG Guidelines, 2015. Collection method: clinical testing. Allele origin: unknown. Affected: yes.

Juno Genomics, Hangzhou Juno Genomics, Inc
Classification: Pathogenic for Shwachman-Diamond syndrome 1; Aplastic anemia. Review status: criteria provided, single submitter. Criteria: ACMG Guidelines, 2015. Collection method: clinical testing. Allele origin: germline.
Comment: Null variant in a gene where loss of function (LOF) is a known mechanism of disease.;For recessive disorders, detected in trans with a pathogenic variant.;Patient's phenotype or family history is highly specific for a disease with a single genetic etiology.

Kariminejad - Najmabadi Pathology & Genetics Center
Classification: Pathogenic for Shwachman-Diamond syndrome 1. Review status: criteria provided, single submitter. Criteria: ACMG Guidelines, 2015. Collection method: clinical testing. Allele origin: germline. Affected: no.

Neuberg Centre For Genomic Medicine, NCGM
Classification: Pathogenic for Shwachman-Diamond syndrome 1. Review status: criteria provided, single submitter. Criteria: ACMG Guidelines, 2015. Collection method: clinical testing. Allele origin: germline. Affected: yes.
Comment: The stop gained p.K62* in SBDS (NM_016038.4) has been previously reported as c.183_184delinsCT. It is known to occur both in cis with 258+2T>C as a complex allele due to gene conversion as well as in trans with c.258+2T>C. The variant is one amongst the three common pathogenic variants, all arising due to gene conversion with the highly homologous pseudogene SBDSP (Nelson AS et al,2018). This variant is predicted to cause loss of normal protein function through protein truncation. Functional studies demonstrate loss of function (Orelio et al,2011). The variant has been submitted to ClinVar as Pathogenic. For these reasons, this variant has been classified as Pathogenic.

Clinical Genetics DNA and cytogenetics Diagnostics Lab, Erasmus MC, Erasmus Medical Center
Classification: Pathogenic. Review status: no assertion criteria provided. Collection method: clinical testing. Allele origin: germline. Affected: yes. Study: VKGL Data-share Consensus. Not counted in ClinVar's aggregate classification.

Genome Diagnostics Laboratory, Amsterdam University Medical Center
Classification: Pathogenic. Review status: no assertion criteria provided. Collection method: clinical testing. Allele origin: germline. Affected: yes. Study: VKGL Data-share Consensus. Not counted in ClinVar's aggregate classification.

Joint Genome Diagnostic Labs from Nijmegen and Maastricht, Radboudumc and MUMC+
Classification: Pathogenic. Review status: no assertion criteria provided. Collection method: clinical testing. Allele origin: germline. Affected: yes. Study: VKGL Data-share Consensus. Not counted in ClinVar's aggregate classification.

Laboratory of Diagnostic Genome Analysis, Leiden University Medical Center (LUMC)
Classification: Pathogenic. Review status: no assertion criteria provided. Collection method: clinical testing. Allele origin: germline. Affected: yes. Study: VKGL Data-share Consensus. Not counted in ClinVar's aggregate classification.

Literature cited by the submitters: PubMed 12496757 (cited by Dasa and Rady Children's Institute for Genomic Medicine, Rady Children's Hospital San Diego); PubMed 15284109 (cited by Dasa); PubMed 15769891 (cited by Dasa); PubMed 24388329 (cited by Dasa); PubMed 15860664 (cited by Dasa); PubMed 27290639 (cited by 3billion); PubMed 20301722 (cited by Rady Children's Institute for Genomic Medicine, Rady Children's Hospital San Diego); PubMed 19222471 (cited by Rady Children's Institute for Genomic Medicine, Rady Children's Hospital San Diego); PubMed 29892551 (cited by Rady Children's Institute for Genomic Medicine, Rady Children's Hospital San Diego); PubMed 21695142 (cited by Rady Children's Institute for Genomic Medicine, Rady Children's Hospital San Diego and Genetics and Molecular Pathology, SA Pathology); PubMed 34758064 (cited by Women's Health and Genetics/Laboratory Corporation of America, LabCorp); PubMed 33871916 (cited by Women's Health and Genetics/Laboratory Corporation of America, LabCorp); PubMed 34625797 (cited by Women's Health and Genetics/Laboratory Corporation of America, LabCorp); PubMed 33607811 (cited by Ambry Genetics).